The following is an entry in ClinVar:

ClinVar aggregate classification (germline): Uncertain significance (1 of 4 stars; one submission).

Conditions:
Inborn genetic diseases. Identifiers: MedGen C0950123, MeSH D030342.

Submission:

Ambry Genetics
Classification: Uncertain significance for Inborn genetic diseases. Last evaluated: 2024-10-11. Review status: criteria provided, single submitter. Criteria: Ambry Variant Classification Scheme 2023. Collection method: clinical testing. Allele origin: germline.
Comment: The p.D377H variant (also known as c.1129G>C), located in coding exon 9 of the BUB1B gene, results from a G to C substitution at nucleotide position 1129. The aspartic acid at codon 377 is replaced by histidine, an amino acid with similar properties. This amino acid position is conserved. In addition, the in silico prediction for this alteration is inconclusive. Based on the available evidence, the clinical significance of this variant remains unclear.

NM_001211.6(BUB1B):c.1129G>C (p.Asp377His)

Gene: BUB1B (BUB1 mitotic checkpoint serine/threonine kinase B; plus strand). Cytogenetic location: 15q15.1.
Variant type: single nucleotide variant.
Coding change: c.1129G>C on transcript NM_001211.6 (MANE Select); coding-DNA position 1129, G replaced by C.
Protein change: p.Asp377His; replaces aspartic acid 377 with histidine.
Molecular consequence: missense variant.
Genome position (GRCh38, 1-based): chr15:40,196,615, G>C. VCF-style: chr15-40196615-G-C. GRCh37 (hg19) VCF-style: chr15-40488816-G-C.
Other names: short protein forms D377H.
Identifiers: ClinVar variation 3483212 (VCV003483212.1).
Genomic context (GRCh38, chr15:40,196,615, plus strand): 5'-AAAATTGAACCTAGTATAAACCACATCCTAAGCACCAGAAAGCCTGGAAAGGAAGAAGGA[G>C]ATCCTCTACAAAGGGTTCAGAGCCATCAGCAAGCGTCTGAGGAGAAGAAAGAGAAGATGA-3'
Protein context (NP_001202.5, residues 367-387): STRKPGKEEG[Asp377His]PLQRVQSHQQ